The following is an entry in ClinVar:

ClinVar aggregate classification (germline): Uncertain significance (1 of 4 stars; one submission).

Allele frequency attached by ClinVar (database versions not stated): gnomAD exomes below 0.00001; ExAC 0.00001; gnomAD 0.00003; TOPMed 0.00003.
gnomAD v4.1: 5 of 1,612,444 alleles (0.00031%); highest among the groups gnomAD compares: African/African-American, 0.0067%; no homozygotes.

Submission:

Labcorp Genetics (formerly Invitae), Labcorp
Classification: Uncertain significance. Last evaluated: 2021-12-15. Review status: criteria provided, single submitter. Criteria: Invitae Variant Classification Sherloc (09022015). Collection method: clinical testing. Allele origin: germline.
Comment: This sequence change replaces leucine, which is neutral and non-polar, with serine, which is neutral and polar, at codon 629 of the PCLO protein (p.Leu629Ser). This variant is present in population databases (rs755320593, gnomAD 0.01%). This variant has not been reported in the literature in individuals affected with PCLO-related conditions. Algorithms developed to predict the effect of missense changes on protein structure and function are either unavailable or do not agree on the potential impact of this missense change (SIFT: "Deleterious"; PolyPhen-2: "Not Available"; Align-GVGD: "Class C0"). In summary, the available evidence is currently insufficient to determine the role of this variant in disease. Therefore, it has been classified as a Variant of Uncertain Significance.

NM_033026.6(PCLO):c.1886T>C (p.Leu629Ser)

Gene: PCLO (piccolo presynaptic cytomatrix protein; minus strand). Cytogenetic location: 7q21.11.
Variant type: single nucleotide variant.
Coding change: c.1886T>C on transcript NM_033026.6 (MANE Select); coding-DNA position 1886, T replaced by C.
Protein change: p.Leu629Ser; replaces leucine 629 with serine.
Molecular consequence: missense variant.
Genome position (GRCh38, 1-based): chr7:83,154,755, A>G on the plus strand (T>C on the coding strand, the complement: PCLO is on the minus strand). VCF-style: chr7-83154755-A-G. GRCh37 (hg19) VCF-style: chr7-82784071-A-G.
Other names: c.1886T>C, p.Leu629Ser (NM_014510.3); short protein forms L629S.
Identifiers: ClinVar variation 1361021 (VCV001361021.3), dbSNP rs755320593, ClinGen allele CA4321373.